The following is an entry in ClinVar:

NM_000193.4(SHH):c.587del (p.Gly196fs)

Gene: SHH (sonic hedgehog signaling molecule; minus strand). Cytogenetic location: 7q36.3.
Variant type: Deletion.
Coding change: c.587del on transcript NM_000193.4 (MANE Select); coding-DNA position 587, one base deleted (G; older notation c.587delG).
Protein change: p.Gly196fs; shifts the reading frame from glycine 196.
Molecular consequence: frameshift variant. On other transcripts: intron variant (1).
Genome position (GRCh38, 1-based): chr7:155,803,702, C deleted on the plus strand (G on the coding strand, the reverse complement: SHH is on the minus strand); the first of 3 consecutive C bases (chr7:155,803,702-155,803,704); deleting any one gives the same sequence. VCF-style (leftmost placement, unchanged base first): chr7-155803701-TC-T. GRCh37 (hg19) VCF-style: chr7-155596395-TC-T.
Other names: c.301+2594del (NM_001310462.2); c.587delG (NM_000193.4); short protein forms G196fs.
Identifiers: ClinVar variation 3775149 (VCV003775149.1).

ClinVar aggregate classification (germline): Pathogenic (1 of 4 stars; one submission).

Conditions:
Holoprosencephaly 3 (HPE3). Identifiers: Orphanet 2162, MedGen C1840529, MONDO:0007733, OMIM 142945.

Submission:

Laboratory of Molecular Genetics, CHU Rennes
Classification: Pathogenic for Holoprosencephaly 3. Last evaluated: 2025-02-27. Review status: criteria provided, single submitter. Criteria: ACMG Guidelines, 2015. Collection method: clinical testing. Allele origin: de novo. Inheritance: Autosomal dominant inheritance. Affected: yes.
Comment: The NM_000193.4:c.587delG is a deletion of one base-pair in SHH which is predicted to result in a premature stop codon downstream, and likely results in an absent or disrupted protein product (PVS1). This variant occurred de novo (PS2). This variant is not present in gnomAD (PM2). In summary, this variant meets criteria to be classified as pathogenic for holoprosencephaly based on the ACMG criteria applied.